The following is an entry in ClinVar:

NM_003718.5(CDK13):c.3304A>G (p.Lys1102Glu)

Gene: CDK13 (cyclin dependent kinase 13; plus strand). Cytogenetic location: 7p14.1.
Variant type: single nucleotide variant.
Coding change: c.3304A>G on transcript NM_003718.5 (MANE Select); coding-DNA position 3304, A replaced by G.
Protein change: p.Lys1102Glu; replaces lysine 1102 with glutamic acid.
Molecular consequence: missense variant. On other transcripts: intron variant (1).
Genome position (GRCh38, 1-based): chr7:40,092,853, A>G. VCF-style: chr7-40092853-A-G. GRCh37 (hg19) VCF-style: chr7-40132452-A-G.
Other names: c.3236-112A>G (NM_031267.3); short protein forms K1102E.
Identifiers: ClinVar variation 2061238 (VCV002061238.4), dbSNP rs778178989, ClinGen allele CA4228927.

ClinVar aggregate classification (germline): Uncertain significance (1 of 4 stars; one submission).

Allele frequency attached by ClinVar (database versions not stated): TOPMed 0.00001; gnomAD 0.00001; gnomAD exomes 0.00003; ExAC 0.00004.
gnomAD v4.1: 47 of 1,614,080 alleles (0.0029%); highest among the groups gnomAD compares: African/African-American, 0.0053%; no homozygotes.

Submission:

Labcorp Genetics (formerly Invitae), Labcorp
Classification: Uncertain significance. Last evaluated: 2025-11-25. Review status: criteria provided, single submitter. Criteria: Invitae Variant Classification Sherloc (09022015). Collection method: clinical testing. Allele origin: germline.
Comment: This sequence change replaces lysine, which is basic and polar, with glutamic acid, which is acidic and polar, at codon 1102 of the CDK13 protein (p.Lys1102Glu). This variant is present in population databases (rs778178989, gnomAD 0.007%). This variant has not been reported in the literature in individuals affected with CDK13-related conditions. ClinVar contains an entry for this variant (Variation ID: 2061238). Invitae Evidence Modeling of protein sequence and biophysical properties (such as structural, functional, and spatial information, amino acid conservation, physicochemical variation, residue mobility, and thermodynamic stability) has been performed for this missense variant. However, the output from this modeling did not meet the statistical confidence thresholds required to predict the impact of this variant on CDK13 protein function. In summary, the available evidence is currently insufficient to determine the role of this variant in disease. Therefore, it has been classified as a Variant of Uncertain Significance.